The following is an entry in ClinVar:

NM_005585.5(SMAD6):c.682C>T (p.Arg228Cys)

Gene: SMAD6 (SMAD family member 6; plus strand). Cytogenetic location: 15q22.31.
Variant type: single nucleotide variant.
Coding change: c.682C>T on transcript NM_005585.5 (MANE Select); coding-DNA position 682, C replaced by T.
Protein change: p.Arg228Cys; replaces arginine 228 with cysteine.
Molecular consequence: missense variant. On other transcripts: non-coding transcript variant (1).
Genome position (GRCh38, 1-based): chr15:66,703,940, C>T. VCF-style: chr15-66703940-C-T. GRCh37 (hg19) VCF-style: chr15-66996278-C-T.
Other names: short protein forms R228C.
Identifiers: ClinVar variation 2568139 (VCV002568139.2), dbSNP rs1893046390, ClinGen allele CA392950030.
Genomic context (GRCh38, chr15:66,703,940, plus strand): 5'-GTGCCGCGCGCCGACCTCCGCCTGGGCGGCCAGCCCGCGCCGCCGCAGCTGCTGCTCGGC[C>T]GCCTCTTTCGCTGGCCCGACCTGCAGCACGCCGTGGAGCTGAAGCCCCTGTGCGGCTGCC-3'
Protein context (NP_005576.3, residues 218-238): QPAPPQLLLG[Arg228Cys]LFRWPDLQHA

ClinVar aggregate classification (germline): Uncertain significance (1 of 4 stars; one submission).

Conditions:
Inborn genetic diseases. Identifiers: MedGen C0950123, MeSH D030342.

gnomAD v4.1: 1 of 1,382,562 alleles (0.000072%); highest among the groups gnomAD compares: Non-Finnish European, 0.000094%; no homozygotes.

Submission:

Ambry Genetics
Classification: Uncertain significance for Inborn genetic diseases. Last evaluated: 2023-06-12. Review status: criteria provided, single submitter. Criteria: Ambry Variant Classification Scheme 2023. Collection method: clinical testing. Allele origin: germline.
Comment: The p.R228C variant (also known as c.682C>T), located in coding exon 1 of the SMAD6 gene, results from a C to T substitution at nucleotide position 682. The arginine at codon 228 is replaced by cysteine, an amino acid with highly dissimilar properties. This amino acid position is conserved. In addition, the in silico prediction for this alteration is inconclusive. Since supporting evidence is limited at this time, the clinical significance of this alteration remains unclear.